The following is an entry in ClinVar:

NM_007203.5(PALM2AKAP2):c.1891C>A (p.Pro631Thr)

Gene: PALM2AKAP2 (PALM2 and AKAP2 fusion; plus strand). Cytogenetic location: 9q31.3.
Variant type: single nucleotide variant.
Coding change: c.1891C>A on transcript NM_007203.5 (MANE Select); coding-DNA position 1891, C replaced by A.
Protein change: p.Pro631Thr; replaces proline 631 with threonine.
Molecular consequence: missense variant.
Genome position (GRCh38, 1-based): chr9:110,137,435, C>A. VCF-style: chr9-110137435-C-A. GRCh37 (hg19) VCF-style: chr9-112899715-C-A.
Other names: c.1891C>A (NM_007203.4); c.1465C>A, p.Pro489Thr (NM_001004065.4, NM_001198656.1); c.1198C>A, p.Pro400Thr (NM_001136562.3); c.1891C>A, p.Pro631Thr (NM_147150.3); short protein forms P489T, P400T, P631T.
Identifiers: ClinVar variation 788278 (VCV000788278.29), dbSNP rs112958283, ClinGen allele CA5180306.
Genomic context (GRCh38, chr9:110,137,435, plus strand): 5'-CCAGAAGACAGTGGTGCCTCAGCCGCCAAGGGACAGAAATCCCCCGGTGCCCTGGAGACC[C>A]CATCGGCAGCAGGAAGCCAGGGCAACACAGCCTCTCAGGGGAAGGAAGGGCCCTACAGCG-3'
Protein context (NP_009134.1, residues 621-641): GQKSPGALET[Pro631Thr]SAAGSQGNTA

ClinVar aggregate classification (germline): Conflicting classifications of pathogenicity. Review status: criteria provided, conflicting classifications (1 of 4 stars). 4 submissions from 4 submitters: Uncertain significance (1); Likely benign (3). Last evaluated 2025-09-10.

Allele frequency attached by ClinVar (database versions not stated): 1000 Genomes Project 0.00100; 1000 Genomes Project 30x 0.00125; TOPMed 0.00334; ESP Exome Variant Server 0.00408.
gnomAD v4.1: 8,371 of 1,614,150 alleles (0.52%); highest among the groups gnomAD compares: Non-Finnish European, 0.65%; 24 homozygotes.

Submissions (4):

Ambry Genetics
Classification: Uncertain significance. Last evaluated: 2025-09-10. Review status: criteria provided, single submitter. Criteria: Ambry Variant Classification Scheme 2023. Collection method: clinical testing. Allele origin: germline.

CeGaT Center for Human Genetics Tuebingen
Classification: Likely benign. Last evaluated: 2022-04-01. Review status: criteria provided, single submitter. Criteria: CeGaT Center For Human Genetics Tuebingen Variant Classification Criteria Version 2. Collection method: clinical testing. Allele origin: germline. Affected: yes. Observed: 1 variant allele.
Comment: AKAP2: BP4

Labcorp Genetics (formerly Invitae), Labcorp
Classification: Likely benign. Last evaluated: 2019-12-31. Review status: criteria provided, single submitter. Criteria: Invitae Variant Classification Sherloc (09022015). Collection method: clinical testing. Allele origin: germline.

Breakthrough Genomics
Classification: Likely benign. Review status: criteria provided, single submitter. Criteria: ACMG Guidelines, 2015. Collection method: not provided. Allele origin: germline. Inheritance: Unknown mechanism. Affected: yes.